The following is an entry in ClinVar:

NM_001312909.2(FAM111A):c.1000T>C (p.Phe334Leu)

Genes: FAM111A (FAM111 trypsin like peptidase A; plus strand), LOC130005740 (ATAC-STARR-seq lymphoblastoid active region 4748; plus strand). Cytogenetic location: 11q12.1.
Variant type: single nucleotide variant.
Coding change: c.1000T>C on transcript NM_001312909.2 (MANE Select); coding-DNA position 1000, T replaced by C.
Protein change: p.Phe334Leu; replaces phenylalanine 334 with leucine.
Molecular consequence: missense variant.
Genome position (GRCh38, 1-based): chr11:59,152,668, T>C. VCF-style: chr11-59152668-T-C. GRCh37 (hg19) VCF-style: chr11-58920141-T-C.
Other names: c.1000T>C, p.Phe334Leu (NM_001142521.3, NM_001312910.2, NM_001312911.2 and 29 more transcripts); short protein forms F334L.
Identifiers: ClinVar variation 4854355 (VCV004854355.1).

ClinVar aggregate classification (germline): Uncertain significance (1 of 4 stars; one submission).

Conditions:
Autosomal dominant Kenny-Caffey syndrome. Also called: Kenny-Caffey syndrome type 2. Identifiers: Orphanet 2333, Orphanet 93325, MedGen C4316787, MONDO:0007478, OMIM 127000.

Submission:

3billion
Classification: Uncertain significance for Autosomal dominant Kenny-Caffey syndrome. Last evaluated: 2025-10-22. Review status: criteria provided, single submitter. Criteria: ACMG Guidelines, 2015. Collection method: clinical testing. Allele origin: germline. Affected: yes.
Comment: The variant is not observed in the gnomAD v4.1.0 dataset. Predicted Consequence/Location: Missense variant. Missense changes are a common disease-causing mechanism. In silico tool predictions suggest damaging effect of the variant on gene or gene product [3Cnet: 0.99 (> 0.75, sensitivity 0.96 and precision 0.92)]. Therefore, this variant is classified as VUS according to the recommendation of ACMG/AMP guideline.